The following is an entry in ClinVar:

ClinVar aggregate classification (germline): Uncertain significance. Review status: criteria provided, multiple submitters, no conflicts (2 of 4 stars). 2 submissions from 2 submitters: Uncertain significance (2). Last evaluated 2024-12-20.

Conditions:
Bethlem myopathy 1A. Also called: MYOPATHY, BENIGN CONGENITAL, WITH CONTRACTURES; Bethlem myopathy 1; Bethlem Muscular Dystrophy. Identifiers: Orphanet 610, MedGen CN029274, MONDO:0024530, OMIM 158810.

Submissions (2):

Dasa
Classification: Uncertain significance. Last evaluated: 2024-12-20. Review status: criteria provided, single submitter. Criteria: DASA Assertion Criteria. Collection method: clinical testing. Allele origin: germline.
Comment: NM_001849.4(COL6A2):c.1951G>T (p.Asp651Tyr) is a missense variant that results in the substitution of aspartic acid with tyrosine. This variant is absent from population databases. Computational prediction algorithms are consistent with a deleterious effect. The currently available literature and clinical evidence are not sufficient to establish a definitive association between this variant and the reported condition. Therefore, this variant is classified as a variant of uncertain significance.

Labcorp Genetics (formerly Invitae), Labcorp
Classification: Uncertain significance for Bethlem myopathy 1A. Last evaluated: 2022-03-19. Review status: criteria provided, single submitter. Criteria: Invitae Variant Classification Sherloc (09022015). Collection method: clinical testing. Allele origin: germline.
Comment: In summary, the available evidence is currently insufficient to determine the role of this variant in disease. Therefore, it has been classified as a Variant of Uncertain Significance. Advanced modeling of protein sequence and biophysical properties (such as structural, functional, and spatial information, amino acid conservation, physicochemical variation, residue mobility, and thermodynamic stability) performed at Invitae indicates that this missense variant is expected to disrupt COL6A2 protein function. This variant has not been reported in the literature in individuals affected with COL6A2-related conditions. This variant is not present in population databases (gnomAD no frequency). This sequence change replaces aspartic acid, which is acidic and polar, with tyrosine, which is neutral and polar, at codon 651 of the COL6A2 protein (p.Asp651Tyr).

NM_001849.4(COL6A2):c.1951G>T (p.Asp651Tyr)

Gene: COL6A2 (collagen type VI alpha 2 chain; plus strand). Cytogenetic location: 21q22.3.
Variant type: single nucleotide variant.
Coding change: c.1951G>T on transcript NM_001849.4 (MANE Select); coding-DNA position 1951, G replaced by T.
Protein change: p.Asp651Tyr; replaces aspartic acid 651 with tyrosine.
Molecular consequence: missense variant.
Genome position (GRCh38, 1-based): chr21:46,125,599, G>T. VCF-style: chr21-46125599-G-T. GRCh37 (hg19) VCF-style: chr21-47545513-G-T.
Other names: c.1951G>T, p.Asp651Tyr (NM_058174.3, NM_058175.3); short protein forms D651Y.
Identifiers: ClinVar variation 1932834 (VCV001932834.7), dbSNP rs1343127674, ClinGen allele CA410539117.